The following is an entry in ClinVar:

ClinVar aggregate classification (germline): Conflicting classifications of pathogenicity. Review status: criteria provided, conflicting classifications (1 of 4 stars). 2 submissions from 2 submitters: Uncertain significance (1); Benign (1). Last evaluated 2024-11-27.

Conditions:
Kleefstra syndrome 1 (KLEFS1). Identifiers: Orphanet 261494, MedGen C0795833, MONDO:0027407, OMIM 610253.

Allele frequency attached by ClinVar (database versions not stated): gnomAD 0.00001; gnomAD exomes 0.00002; TOPMed 0.00002; ExAC 0.00003.
gnomAD v4.1: 23 of 1,612,474 alleles (0.0014%); highest among the groups gnomAD compares: Non-Finnish European, 0.0019%; no homozygotes.

Submissions (2):

Labcorp Genetics (formerly Invitae), Labcorp
Classification: Benign for Kleefstra syndrome 1. Last evaluated: 2024-11-27. Review status: criteria provided, single submitter. Criteria: Invitae Variant Classification Sherloc (09022015). Collection method: clinical testing. Allele origin: germline.

GeneDx
Classification: Uncertain significance. Last evaluated: 2022-02-24. Review status: criteria provided, single submitter. Criteria: GeneDx Variant Classification Process June 2021. Collection method: clinical testing. Allele origin: germline. Affected: yes.
Comment: Not observed at significant frequency in large population cohorts (gnomAD); In silico analysis supports that this missense variant does not alter protein structure/function; Has not been previously published as pathogenic or benign to our knowledge

NM_024757.5(EHMT1):c.3304A>G (p.Ile1102Val)

Gene: EHMT1 (euchromatic histone lysine methyltransferase 1; plus strand). Cytogenetic location: 9q34.3.
Variant type: single nucleotide variant.
Coding change: c.3304A>G on transcript NM_024757.5 (MANE Select); coding-DNA position 3304, A replaced by G.
Protein change: p.Ile1102Val; replaces isoleucine 1102 with valine.
Molecular consequence: missense variant.
Genome position (GRCh38, 1-based): chr9:137,815,992, A>G. VCF-style: chr9-137815992-A-G. GRCh37 (hg19) VCF-style: chr9-140710444-A-G.
Other names: c.3283A>G, p.Ile1095Val (NM_001354263.2); short protein forms I1102V, I1095V.
Identifiers: ClinVar variation 462994 (VCV000462994.10), dbSNP rs752508274, ClinGen allele CA5375257.